The following is an entry in ClinVar:

NM_000059.4(BRCA2):c.3377A>C (p.Glu1126Ala)

Gene: BRCA2 (BRCA2 DNA repair associated; plus strand). Cytogenetic location: 13q13.1.
Variant type: single nucleotide variant.
Coding change: c.3377A>C on transcript NM_000059.4 (MANE Select); coding-DNA position 3377, A replaced by C.
Protein change: p.Glu1126Ala; replaces glutamic acid 1126 with alanine.
Molecular consequence: missense variant.
Genome position (GRCh38, 1-based): chr13:32,337,732, A>C. VCF-style: chr13-32337732-A-C. GRCh37 (hg19) VCF-style: chr13-32911869-A-C.
Other names: short protein forms E1126A.
Identifiers: ClinVar variation 823684 (VCV000823684.6), dbSNP rs1593899368, ClinGen allele CA387776419.

ClinVar aggregate classification (germline): Conflicting classifications of pathogenicity. Review status: criteria provided, conflicting classifications (1 of 4 stars). 2 submissions from 2 submitters: Uncertain significance (1); Likely benign (1). Last evaluated 2023-03-23.

Conditions:
Hereditary cancer-predisposing syndrome. Also called: Neoplastic Syndromes, Hereditary; Tumor predisposition; Hereditary neoplastic syndrome; Hereditary Cancer Syndrome. Identifiers: Orphanet 140162, MedGen C0027672, MeSH D009386, MONDO:0015356.

Submissions (2):

University of Washington Department of Laboratory Medicine, University of Washington
Classification: Likely benign for Hereditary cancer-predisposing syndrome. Last evaluated: 2023-03-23. Review status: criteria provided, single submitter. Criteria: Dines et al. (Genet Med. 2020). Collection method: curation. Allele origin: germline.
Comment: Missense variant in a coldspot region where missense variants are very unlikely to be pathogenic (PMID:31911673).

BRCA2 exon 11 coldspot. Reclassification based on statistical prior probability.

Ambry Genetics
Classification: Uncertain significance for Hereditary cancer-predisposing syndrome. Last evaluated: 2019-04-24. Review status: criteria provided, single submitter. Criteria: Ambry Variant Classification Scheme 2023. Collection method: clinical testing. Allele origin: germline.
Comment: The p.E1126A variant (also known as c.3377A>C), located in coding exon 10 of the BRCA2 gene, results from an A to C substitution at nucleotide position 3377. The glutamic acid at codon 1126 is replaced by alanine, an amino acid with dissimilar properties. This amino acid position is highly conserved in available vertebrate species. In addition, the in silico prediction for this alteration is inconclusive. Since supporting evidence is limited at this time, the clinical significance of this alteration remains unclear.